The following is an entry in ClinVar:

NM_014797.3(ZBTB24):c.1715G>A (p.Gly572Glu)

Gene: ZBTB24 (zinc finger and BTB domain containing 24; minus strand). Cytogenetic location: 6q21.
Variant type: single nucleotide variant.
Coding change: c.1715G>A on transcript NM_014797.3 (MANE Select); coding-DNA position 1715, G replaced by A.
Protein change: p.Gly572Glu; replaces glycine 572 with glutamic acid.
Molecular consequence: missense variant.
Genome position (GRCh38, 1-based): chr6:109,466,230, C>T on the plus strand (G>A on the coding strand, the complement: ZBTB24 is on the minus strand). VCF-style: chr6-109466230-C-T. GRCh37 (hg19) VCF-style: chr6-109787433-C-T.
Other names: short protein forms G572E.
Identifiers: ClinVar variation 961876 (VCV000961876.7), dbSNP rs139726759, ClinGen allele CA3954028.

ClinVar aggregate classification (germline): Uncertain significance (1 of 4 stars; one submission).

Conditions:
Immunodeficiency-centromeric instability-facial anomalies syndrome 2 (ICF2). Identifiers: Orphanet 2268, MedGen C3279748, MONDO:0013553, OMIM 614069.

Allele frequency attached by ClinVar (database versions not stated): ExAC 0.00003; gnomAD 0.00005 and 0.00006; TOPMed 0.00005; gnomAD exomes 0.00006 and 0.00011; ESP Exome Variant Server 0.00008.
gnomAD v4.1: 164 of 1,614,098 alleles (0.01%); highest among the groups gnomAD compares: East Asian, 0.029%; no homozygotes.

Submission:

Labcorp Genetics (formerly Invitae), Labcorp
Classification: Uncertain significance for Immunodeficiency-centromeric instability-facial anomalies syndrome 2. Last evaluated: 2022-03-19. Review status: criteria provided, single submitter. Criteria: Invitae Variant Classification Sherloc (09022015). Collection method: clinical testing. Allele origin: germline.
Comment: This sequence change replaces glycine, which is neutral and non-polar, with glutamic acid, which is acidic and polar, at codon 572 of the ZBTB24 protein (p.Gly572Glu). This variant is present in population databases (rs139726759, gnomAD 0.02%). This variant has not been reported in the literature in individuals affected with ZBTB24-related conditions. ClinVar contains an entry for this variant (Variation ID: 961876). Algorithms developed to predict the effect of missense changes on protein structure and function are either unavailable or do not agree on the potential impact of this missense change (SIFT: "Not Available"; PolyPhen-2: "Possibly Damaging"; Align-GVGD: "Not Available"). In summary, the available evidence is currently insufficient to determine the role of this variant in disease. Therefore, it has been classified as a Variant of Uncertain Significance.